The following is an entry in ClinVar:

ClinVar aggregate classification (germline): Uncertain significance (1 of 4 stars; one submission).

gnomAD v4.1: 2 of 1,614,162 alleles (0.00012%); highest among the groups gnomAD compares: Non-Finnish European, 0.00017%; no homozygotes.

Submission:

Women's Health and Genetics/Laboratory Corporation of America, LabCorp
Classification: Uncertain significance. Last evaluated: 2025-05-22. Review status: criteria provided, single submitter. Criteria: LabCorp Variant Classification Summary - May 2015. Collection method: clinical testing. Allele origin: germline.
Comment: Variant summary: RARS2 c.14T>C (p.Phe5Ser) results in a non-conservative amino acid change in the encoded protein sequence. Algorithms developed to predict the effect of missense changes on protein structure and function are either unavailable or do not agree on the potential impact of this missense change. The variant was absent in 249754 control chromosomes (gnomAD). The available data on variant occurrences in the general population are insufficient to allow any conclusion about variant significance. c.14T>C has been observed in at least one individual affected with Pontocerebellar Hypoplasia, Type 6 (Han_2019, Zhang_2022). These data do not allow any conclusion about variant significance. To our knowledge, no experimental evidence demonstrating an impact on protein function has been reported. The following publications have been ascertained in the context of this evaluation (PMID: 31665838, 35468344). No submitters have cited clinical-significance assessments for this variant to ClinVar. Based on the evidence outlined above, the variant was classified as uncertain significance.

Literature cited by the submitters: PubMed 31665838; PubMed 35468344.

NM_020320.5(RARS2):c.14T>C (p.Phe5Ser)

Gene: RARS2 (arginyl-tRNA synthetase 2, mitochondrial; minus strand). Cytogenetic location: 6q15.
Variant type: single nucleotide variant.
Coding change: c.14T>C on transcript NM_020320.5 (MANE Select); coding-DNA position 14, T replaced by C.
Protein change: p.Phe5Ser; replaces phenylalanine 5 with serine.
Molecular consequence: missense variant. On other transcripts: 5 prime UTR variant (7), non-coding transcript variant (23).
Genome position (GRCh38, 1-based): chr6:87,589,944, A>G on the plus strand (T>C on the coding strand, the complement: RARS2 is on the minus strand). VCF-style: chr6-87589944-A-G. GRCh37 (hg19) VCF-style: chr6-88299662-A-G.
Other names: c.-677T>C (NM_001318785.2); c.14T>C, p.Phe5Ser (NM_001350505.2); c.-733T>C (NM_001350506.2, NM_001350510.2); c.-856T>C (NM_001350507.2); c.-895T>C (NM_001350508.2); c.-603T>C (NM_001350509.2); c.-852T>C (NM_001350511.2); short protein forms F5S.
Identifiers: ClinVar variation 3902749 (VCV003902749.1).